The following is an entry in ClinVar:

NM_000232.5(SGCB):c.*2282A>T

Gene: SGCB (sarcoglycan beta; minus strand). Cytogenetic location: 4q12.
Variant type: single nucleotide variant.
Coding change: c.*2282A>T on transcript NM_000232.5 (MANE Select); 2282 bases downstream of the stop codon, A replaced by T.
Molecular consequence: 3 prime UTR variant.
Genome position (GRCh38, 1-based): chr4:52,021,675, T>A on the plus strand (A>T on the coding strand, the complement: SGCB is on the minus strand). VCF-style: chr4-52021675-T-A. GRCh37 (hg19) VCF-style: chr4-52887841-T-A.
Identifiers: ClinVar variation 900376 (VCV000900376.4), dbSNP rs560517192, ClinGen allele CA96772961.

ClinVar aggregate classification (germline): Likely benign (1 of 4 stars; one submission).

Conditions:
Qualitative or quantitative defects of beta-sarcoglycan. Identifiers: Orphanet 207063, MedGen C2930900, MONDO:0016142.

Allele frequency attached by ClinVar (database versions not stated): gnomAD 0.00018 and 0.00044; TOPMed 0.00032; 1000 Genomes Project 0.00240.

Submission:

Illumina Laboratory Services, Illumina
Classification: Likely benign for Qualitative or quantitative defects of beta-sarcoglycan. Last evaluated: 2018-03-06. Review status: criteria provided, single submitter. Criteria: ICSL Variant Classification Criteria 13 December 2019. Collection method: clinical testing. Allele origin: germline.
Comment: This variant was observed in the ICSL laboratory as part of a predisposition screen in an ostensibly healthy population. It had not been previously curated by ICSL or reported in the Human Gene Mutation Database (HGMD: prior to June 1st, 2018), and was therefore a candidate for classification through an automated scoring system. Utilizing variant allele frequency, disease prevalence and penetrance estimates, and inheritance mode, an automated score was calculated to assess if this variant is too frequent to cause the disease. Based on the score and internal cut-off values, a variant classified as likely benign is not then subjected to further curation. The score for this variant resulted in a classification of likely benign for this disease.